The following is an entry in ClinVar:

ClinVar aggregate classification (germline): Uncertain significance (1 of 4 stars; one submission).

Allele frequency attached by ClinVar (database versions not stated): gnomAD exomes 0.00001; TOPMed 0.00001.
gnomAD v4.1: 8 of 1,614,094 alleles (0.0005%); highest among the groups gnomAD compares: Non-Finnish European, 0.00068%; no homozygotes.

Submission:

Labcorp Genetics (formerly Invitae), Labcorp
Classification: Uncertain significance. Last evaluated: 2022-08-09. Review status: criteria provided, single submitter. Criteria: Invitae Variant Classification Sherloc (09022015). Collection method: clinical testing. Allele origin: germline.
Comment: Advanced modeling of protein sequence and biophysical properties (such as structural, functional, and spatial information, amino acid conservation, physicochemical variation, residue mobility, and thermodynamic stability) performed at Invitae indicates that this missense variant is not expected to disrupt SLC12A3 protein function. In summary, the available evidence is currently insufficient to determine the role of this variant in disease. Therefore, it has been classified as a Variant of Uncertain Significance. This sequence change replaces alanine, which is neutral and non-polar, with serine, which is neutral and polar, at codon 36 of the SLC12A3 protein (p.Ala36Ser). This variant is not present in population databases (gnomAD no frequency). This variant has not been reported in the literature in individuals affected with SLC12A3-related conditions.

NM_001126108.2(SLC12A3):c.106G>T (p.Ala36Ser)

Gene: SLC12A3 (solute carrier family 12 member 3; plus strand). Cytogenetic location: 16q13.
Variant type: single nucleotide variant.
Coding change: c.106G>T on transcript NM_001126108.2 (MANE Select); coding-DNA position 106, G replaced by T.
Protein change: p.Ala36Ser; replaces alanine 36 with serine.
Molecular consequence: missense variant.
Genome position (GRCh38, 1-based): chr16:56,865,341, G>T. VCF-style: chr16-56865341-G-T. GRCh37 (hg19) VCF-style: chr16-56899253-G-T.
Other names: c.106G>T, p.Ala36Ser (NM_000339.3, NM_001126107.2, NM_001410896.1); short protein forms A36S.
Identifiers: ClinVar variation 2142853 (VCV002142853.4), dbSNP rs1398388549, ClinGen allele CA395976401.